The following is an entry in ClinVar:

NM_000463.3(UGT1A1):c.450G>A (p.Thr150=)

Genes: UGT1A (UDP glucuronosyltransferase family 1 member A complex locus; plus strand), UGT1A1 (UDP glucuronosyltransferase family 1 member A1; plus strand), UGT1A10 (UDP glucuronosyltransferase family 1 member A10; plus strand), UGT1A3 (UDP glucuronosyltransferase family 1 member A3; plus strand), UGT1A4 (UDP glucuronosyltransferase family 1 member A4; plus strand) and 5 more. Cytogenetic location: 2q37.1.
Variant type: single nucleotide variant.
Coding change: c.450G>A on transcript NM_000463.3 (MANE Select); coding-DNA position 450, G replaced by A.
Protein change: p.Thr150=; no amino-acid change (threonine 150 retained).
Molecular consequence: synonymous variant. On other transcripts: intron variant (9).
Genome position (GRCh38, 1-based): chr2:233,760,737, G>A. VCF-style: chr2-233760737-G-A. GRCh37 (hg19) VCF-style: chr2-234669383-G-A.
Other names: c.856-6297G>A (NM_019076.5, NM_019075.4, NM_021027.3 and 1 more transcripts); c.61-6297G>A (NM_205862.3); c.862-6297G>A (NM_001072.4); c.868-6297G>A (NM_019078.2, NM_007120.3, NM_019093.4).
Identifiers: ClinVar variation 4982191 (VCV004982191.1).

ClinVar aggregate classification (germline): Likely benign (1 of 4 stars; one submission).

Conditions:
UGT1A1-related disorder. Also called: UGT1A1-related condition; UGT1A1-related disorders.

gnomAD v4.1: 10 of 1,614,138 alleles (0.00062%); highest among the groups gnomAD compares: South Asian, 0.0044%; no homozygotes.

Submission:

PreventionGenetics, part of Exact Sciences
Classification: Likely benign for UGT1A1-related condition. Last evaluated: 2025-09-03. Review status: criteria provided, single submitter. Criteria: ACMG Guidelines, 2015. Collection method: clinical testing. Allele origin: germline.
Comment: This variant is classified as likely benign based on ACMG/AMP sequence variant interpretation guidelines (Richards et al. 2015 PMID: 25741868, with internal and published modifications).